The following is an entry in ClinVar:

NM_173630.4(RTTN):c.1840G>A (p.Glu614Lys)

Gene: RTTN (rotatin; minus strand). Cytogenetic location: 18q22.2.
Variant type: single nucleotide variant.
Coding change: c.1840G>A on transcript NM_173630.4 (MANE Select); coding-DNA position 1840, G replaced by A.
Protein change: p.Glu614Lys; replaces glutamic acid 614 with lysine.
Molecular consequence: missense variant. On other transcripts: 5 prime UTR variant (1).
Genome position (GRCh38, 1-based): chr18:70,166,151, C>T on the plus strand (G>A on the coding strand, the complement: RTTN is on the minus strand). VCF-style: chr18-70166151-C-T. GRCh37 (hg19) VCF-style: chr18-67833387-C-T.
Other names: c.-808G>A (NM_001318520.2); short protein forms E614K.
Identifiers: ClinVar variation 1506887 (VCV001506887.3), dbSNP rs898805529, ClinGen allele CA301935900.

ClinVar aggregate classification (germline): Uncertain significance (1 of 4 stars; one submission).

Allele frequency attached by ClinVar (database versions not stated): gnomAD exomes below 0.00001; gnomAD 0.00001.
gnomAD v4.1: 3 of 1,613,622 alleles (0.00019%); highest among the groups gnomAD compares: Non-Finnish European, 0.00017%; no homozygotes.

Submission:

Labcorp Genetics (formerly Invitae), Labcorp
Classification: Uncertain significance. Last evaluated: 2022-08-22. Review status: criteria provided, single submitter. Criteria: Invitae Variant Classification Sherloc (09022015). Collection method: clinical testing. Allele origin: germline.
Comment: This sequence change replaces glutamic acid, which is acidic and polar, with lysine, which is basic and polar, at codon 614 of the RTTN protein (p.Glu614Lys). This variant is not present in population databases (gnomAD no frequency). This variant has not been reported in the literature in individuals affected with RTTN-related conditions. ClinVar contains an entry for this variant (Variation ID: 1506887). Algorithms developed to predict the effect of missense changes on protein structure and function are either unavailable or do not agree on the potential impact of this missense change (SIFT: "Deleterious"; PolyPhen-2: "Probably Damaging"; Align-GVGD: "Class C0"). In summary, the available evidence is currently insufficient to determine the role of this variant in disease. Therefore, it has been classified as a Variant of Uncertain Significance.